The following is an entry in ClinVar:

NM_006846.4(SPINK5):c.1092+159A>G

Gene: SPINK5 (serine peptidase inhibitor Kazal type 5; plus strand). Cytogenetic location: 5q32.
Variant type: single nucleotide variant.
Coding change: c.1092+159A>G on transcript NM_006846.4 (MANE Select); 159 bases into the intron after coding-DNA position 1092, A replaced by G.
Molecular consequence: intron variant.
Genome position (GRCh38, 1-based): chr5:148,099,474, A>G. VCF-style: chr5-148099474-A-G. GRCh37 (hg19) VCF-style: chr5-147479037-A-G.
Other names: c.1092+159A>G (NM_001127698.2, NM_001127699.2).
Identifiers: ClinVar variation 677126 (VCV000677126.1), dbSNP rs11168022, ClinGen allele CA128917339.

ClinVar aggregate classification (germline): Benign (1 of 4 stars; one submission).

Allele frequency attached by ClinVar (database versions not stated): 1000 Genomes Project 30x 0.43036; 1000 Genomes Project 0.43291; TOPMed 0.44522; gnomAD 0.44726 and 0.45214.
gnomAD v4.1: 67,469 of 148,978 alleles (45%); highest among the groups gnomAD compares: Admixed American, 59%; 16,420 homozygotes.

Submission:

GeneDx
Classification: Benign. Last evaluated: 2018-06-14. Review status: criteria provided, single submitter. Criteria: GeneDx Variant Classification (06012015). Collection method: clinical testing. Allele origin: germline. Affected: yes.
Comment: This variant is considered likely benign or benign based on one or more of the following criteria: it is a conservative change, it occurs at a poorly conserved position in the protein, it is predicted to be benign by multiple in silico algorithms, and/or has population frequency not consistent with disease.